The following is an entry in ClinVar:

NM_014297.5(ETHE1):c.595+2T>G

Gene: ETHE1 (ETHE1 persulfide dioxygenase; minus strand). Cytogenetic location: 19q13.31.
Variant type: single nucleotide variant.
Coding change: c.595+2T>G on transcript NM_014297.5 (MANE Select); the canonical splice donor site of the intron after coding-DNA position 595, T replaced by G.
Molecular consequence: splice donor variant.
Genome position (GRCh38, 1-based): chr19:43,508,773, A>C on the plus strand (T>G on the coding strand, the complement: ETHE1 is on the minus strand). VCF-style: chr19-43508773-A-C. GRCh37 (hg19) VCF-style: chr19-44012925-A-C.
Other names: c.595+2T>G (NM_014297.4); c.301+2T>G (NM_001320869.2); c.226+2T>G (NM_001320868.2); c.562+2T>G (NM_001320867.2).
Identifiers: ClinVar variation 577939 (VCV000577939.16), dbSNP rs761661864, ClinGen allele CA9487817.

ClinVar aggregate classification (germline): Likely pathogenic. Review status: criteria provided, multiple submitters, no conflicts (2 of 4 stars). 5 submissions from 5 submitters: Likely pathogenic (5). Last evaluated 2025-09-20.

Conditions:
Ethylmalonic encephalopathy (EE). Also called: EPEMA syndrome; Encephalopathy, petechiae, and ethylmalonic aciduria; Syndrome of encephalopathy, petechiae, and ethylmalonic aciduria. Identifiers: Orphanet 51188, MedGen C1865349, MONDO:0011229, OMIM 602473. Disease mechanism: loss of function.
ETHE1-related disorders.

Allele frequency attached by ClinVar (database versions not stated): gnomAD exomes below 0.00001; gnomAD 0.00001; TOPMed 0.00001; ExAC 0.00002.
gnomAD v4.1: 20 of 1,597,780 alleles (0.0013%); highest among the groups gnomAD compares: Non-Finnish European, 0.0016%; no homozygotes.

Submissions (5):

GeneDx
Classification: Likely pathogenic. Last evaluated: 2025-09-20. Review status: criteria provided, single submitter. Criteria: GeneDx Variant Classification Process June 2021. Collection method: clinical testing. Allele origin: germline. Affected: yes.
Comment: Canonical splice site variant predicted to result in an in-frame loss of the adjacent exon in a gene for which loss of function is a known mechanism of disease; Not observed at significant frequency in large population cohorts (gnomAD); Identified in a patient with Waldenstrom macroglobulinemia in published literature, however detailed clinical information on the patient was not provided (PMID: 39036705); This variant is associated with the following publications: (PMID: 14732903, 19136963, 39036705)

Natera, Inc.
Classification: Likely pathogenic for Ethylmalonic encephalopathy. Last evaluated: 2025-08-06. Review status: criteria provided, single submitter. Criteria: Natera Variant Classification Schema (03/2026). Collection method: clinical testing. Allele origin: germline.
Comment: The c.595+2T>G variant in ETHE1 is a canonical splice donor site variant predicted to affect pre-mRNA splicing, which may result in an abnormal transcript and altered protein product. This variant is expected to result in nonsense mediated decay, truncation, or a dysfunctional protein product. This variant is rare in the general population with a frequency below the threshold expected for the associated phenotype(s). Given the available evidence, this variant is classified as Likely Pathogenic.

Labcorp Genetics (formerly Invitae), Labcorp
Classification: Likely pathogenic for Ethylmalonic encephalopathy. Last evaluated: 2024-09-29. Review status: criteria provided, single submitter. Criteria: Invitae Variant Classification Sherloc (09022015). Collection method: clinical testing. Allele origin: germline.
Comment: This sequence change affects a donor splice site in intron 5 of the ETHE1 gene. It is expected to disrupt RNA splicing. Variants that disrupt the donor or acceptor splice site typically lead to a loss of protein function (PMID: 16199547), and loss-of-function variants in ETHE1 are known to be pathogenic (PMID: 14732903, 19136963). This variant is present in population databases (rs761661864, gnomAD 0.001%). This variant has not been reported in the literature in individuals affected with ETHE1-related conditions. ClinVar contains an entry for this variant (Variation ID: 577939). Algorithms developed to predict the effect of sequence changes on RNA splicing suggest that this variant may disrupt the consensus splice site. In summary, the currently available evidence indicates that the variant is pathogenic, but additional data are needed to prove that conclusively. Therefore, this variant has been classified as Likely Pathogenic.

Baylor Genetics
Classification: Likely pathogenic for Ethylmalonic encephalopathy. Last evaluated: 2023-12-17. Review status: criteria provided, single submitter. Criteria: ACMG Guidelines, 2015. Collection method: clinical testing. Allele origin: unknown.

Blueprint Genetics
Classification: Likely pathogenic for ETHE1-related disorders. Last evaluated: 2020-07-01. Review status: criteria provided, single submitter. Criteria: ACMG Guidelines, 2015. Collection method: clinical testing. Allele origin: germline. Affected: yes. Observed: 1 variant allele.

Literature cited by the submitters: PubMed 16199547 (cited by Labcorp Genetics (formerly Invitae), Labcorp); PubMed 14732903 (cited by Labcorp Genetics (formerly Invitae), Labcorp); PubMed 19136963 (cited by Labcorp Genetics (formerly Invitae), Labcorp).